The following is an entry in ClinVar:

ClinVar aggregate classification (germline): Conflicting classifications of pathogenicity. Review status: criteria provided, conflicting classifications (1 of 4 stars). 3 submissions from 3 submitters: Pathogenic (1); Likely pathogenic (1); Uncertain significance (1). Last evaluated 2023-06-01.

Conditions:
Birk-Barel syndrome. Also called: KCNK9 Imprinting Syndrome; MENTAL RETARDATION WITH HYPOTONIA AND FACIAL DYSMORPHISM. Identifiers: Orphanet 166108, MedGen C2676770, MONDO:0012856, OMIM 612292.

Submissions (3):

CeGaT Center for Human Genetics Tuebingen
Classification: Likely pathogenic. Last evaluated: 2023-06-01. Review status: criteria provided, single submitter. Criteria: CeGaT Center For Human Genetics Tuebingen Variant Classification Criteria Version 2. Collection method: clinical testing. Allele origin: germline. Affected: yes. Observed: 1 variant allele.
Comment: KCNK9: PM2, PM5, PP2, PS4:Supporting

GeneDx
Classification: Pathogenic. Last evaluated: 2023-05-02. Review status: criteria provided, single submitter. Criteria: GeneDx Variant Classification Process June 2021. Collection method: clinical testing. Allele origin: germline. Affected: yes.
Comment: In silico analysis supports that this missense variant has a deleterious effect on protein structure/function; Not observed at significant frequency in large population cohorts (gnomAD); Published functional studies demonstrate that the variant results in abnormal channel function (Cousin et al., 2022); This variant is associated with the following publications: (PMID: 35698242)

Institute of Human Genetics, University of Leipzig Medical Center
Classification: Uncertain significance for Birk-Barel syndrome. Last evaluated: 2019-01-01. Review status: criteria provided, single submitter. Criteria: ACMG Guidelines, 2015. Collection method: clinical testing. Allele origin: unknown. Affected: yes.

NM_001282534.2(KCNK9):c.391C>T (p.Arg131Cys)

Gene: KCNK9 (potassium two pore domain channel subfamily K member 9; minus strand). Cytogenetic location: 8q24.3.
Variant type: single nucleotide variant.
Coding change: c.391C>T on transcript NM_001282534.2 (MANE Select); coding-DNA position 391, C replaced by T.
Protein change: p.Arg131Cys; replaces arginine 131 with cysteine.
Molecular consequence: missense variant. On other transcripts: non-coding transcript variant (1).
Genome position (GRCh38, 1-based): chr8:139,618,992, G>A on the plus strand (C>T on the coding strand, the complement: KCNK9 is on the minus strand). VCF-style: chr8-139618992-G-A. GRCh37 (hg19) VCF-style: chr8-140631235-G-A.
Other names: short protein forms R131C.
Identifiers: ClinVar variation 983124 (VCV000983124.32), dbSNP rs1814690517, ClinGen allele CA372734738.
Genomic context (GRCh38, chr8:139,618,992, plus strand): 5'-TGCGCATGCCACAGCACTTCTTAATGCGCTTCAGCAGGTAGCGCACGAAGGTGTTCATGC[G>A]CTCGCCCAGGCTCTGGAACATGACCAGTGTCAGCGGGATGCCCAGCACGGCGTAGAACAT-3'
Protein context (NP_001269463.1, residues 121-141): TLVMFQSLGE[Arg131Cys]MNTFVRYLLK